The following is an entry in ClinVar:

ClinVar aggregate classification (germline): Uncertain significance. Review status: criteria provided, single submitter (1 of 4 stars). 2 submissions from 2 submitters: Uncertain significance (1). 1 of the submissions does not count toward it. Last evaluated 2025-09-28.

Conditions:
ADCY3-related disorder. Also called: ADCY3-related condition.
Inborn genetic diseases. Identifiers: MedGen C0950123, MeSH D030342.

Allele frequency attached by ClinVar (database versions not stated): ExAC 0.00001; TOPMed 0.00002; gnomAD 0.00001; gnomAD exomes 0.00001.
gnomAD v4.1: 20 of 1,613,894 alleles (0.0012%); highest among the groups gnomAD compares: South Asian, 0.013%; no homozygotes.

Submissions (2):

Ambry Genetics
Classification: Uncertain significance for Inborn genetic diseases. Last evaluated: 2025-09-28. Review status: criteria provided, single submitter. Criteria: Ambry Variant Classification Scheme 2023. Collection method: clinical testing. Allele origin: germline.

PreventionGenetics, part of Exact Sciences
Classification: Uncertain significance for ADCY3-related condition. Last evaluated: 2024-02-05. Review status: no assertion criteria provided. Collection method: clinical testing. Allele origin: germline. Not counted in ClinVar's aggregate classification.
Comment: The ADCY3 c.3128T>C variant is predicted to result in the amino acid substitution p.Ile1043Thr. To our knowledge, this variant has not been reported in the literature. This variant is reported in 0.0098% of alleles in individuals of South Asian descent in gnomAD. At this time, the clinical significance of this variant is uncertain due to the absence of conclusive functional and genetic evidence.

NM_004036.5(ADCY3):c.3125T>C (p.Ile1042Thr)

Genes: ADCY3 (adenylate cyclase 3; minus strand), CENPO (centromere protein O; plus strand). Cytogenetic location: 2p23.3.
Variant type: single nucleotide variant.
Coding change: c.3125T>C on transcript NM_004036.5 (MANE Select); coding-DNA position 3125, T replaced by C.
Protein change: p.Ile1042Thr; replaces isoleucine 1042 with threonine.
Molecular consequence: missense variant. On other transcripts: 3 prime UTR variant (3), non-coding transcript variant (3).
Genome position (GRCh38, 1-based): chr2:24,821,519, A>G on the plus strand (T>C on the coding strand, the complement: ADCY3 is on the minus strand). VCF-style: chr2-24821519-A-G. GRCh37 (hg19) VCF-style: chr2-25044388-A-G.
Other names: c.3128T>C, p.Ile1043Thr (NM_001320613.2); c.3191T>C, p.Ile1064Thr (NM_001377128.1); c.2987T>C, p.Ile996Thr (NM_001377129.1); c.2573T>C, p.Ile858Thr (NM_001377130.1); c.2402T>C, p.Ile801Thr (NM_001377131.1); c.3125T>C, p.Ile1042Thr (NM_001377132.1); c.*2201A>G (NM_001199803.3, NM_001322101.2, NM_024322.4); c.3125T>C (NM_004036.3); short protein forms I1042T, I1043T, I1064T, I801T, I858T, I996T.
Identifiers: ClinVar variation 3030486 (VCV003030486.3), dbSNP rs752934161, ClinGen allele CA1553511.